The following is an entry in ClinVar:

ClinVar aggregate classification (germline): Uncertain significance (1 of 4 stars; one submission).

Conditions:
Duchenne muscular dystrophy (DMD). Also called: MUSCULAR DYSTROPHY, PSEUDOHYPERTROPHIC PROGRESSIVE, DUCHENNE TYPE; Duchenne Muscular Dystrophy (DMD). Identifiers: Orphanet 98896, MedGen C0013264, MONDO:0010679, OMIM 310200.

Submission:

Labcorp Genetics (formerly Invitae), Labcorp
Classification: Uncertain significance for Duchenne muscular dystrophy. Last evaluated: 2025-01-13. Review status: criteria provided, single submitter. Criteria: Invitae Variant Classification Sherloc (09022015). Collection method: clinical testing. Allele origin: germline.
Comment: This sequence change replaces isoleucine, which is neutral and non-polar, with valine, which is neutral and non-polar, at codon 935 of the DMD protein (p.Ile935Val). This variant is present in population databases (rs753582196, gnomAD 0.003%). This variant has not been reported in the literature in individuals affected with DMD-related conditions. An algorithm developed to predict the effect of missense changes on protein structure and function (PolyPhen-2) suggests that this variant is likely to be disruptive. In summary, the available evidence is currently insufficient to determine the role of this variant in disease. Therefore, it has been classified as a Variant of Uncertain Significance.

NM_004006.3(DMD):c.2803A>G (p.Ile935Val)

Gene: DMD (dystrophin; minus strand). Cytogenetic location: Xp21.1.
Variant type: single nucleotide variant.
Coding change: c.2803A>G on transcript NM_004006.3 (MANE Select); coding-DNA position 2803, A replaced by G.
Protein change: p.Ile935Val; replaces isoleucine 935 with valine.
Molecular consequence: missense variant.
Genome position (GRCh38, 1-based): chrX:32,484,919, T>C on the plus strand (A>G on the coding strand, the complement: DMD is on the minus strand). VCF-style: chrX-32484919-T-C. GRCh37 (hg19) VCF-style: chrX-32503036-T-C.
Other names: c.2779A>G, p.Ile927Val (NM_000109.4); c.2791A>G, p.Ile931Val (NM_004009.3); c.2434A>G, p.Ile812Val (NM_004010.3); short protein forms I812V, I931V, I935V, I927V.
Identifiers: ClinVar variation 3668925 (VCV003668925.2).
Genomic context (GRCh38, chrX:32,484,919, plus strand): 5'-TTCCCCACAAATAACCATTTTGGAAAATGTCAAGTTAGCCATTTTAGGCTTTTTACTTAC[T>C]TGTCTGTAGCTCTTTCTCTCTGGCCTGCACATCAGAAAAGACTTGCTTAAAATGATTTGT-3'
Protein context (NP_003997.2, residues 925-945): VQAREKELQT[Ile935Val]FDTLPPMRYQ